The following is an entry in ClinVar:

ClinVar aggregate classification (germline): Pathogenic. Review status: criteria provided, multiple submitters, no conflicts (2 of 4 stars). 5 submissions from 5 submitters: Pathogenic (2). 3 of the submissions do not count toward it. Last evaluated 2023-10-06.

Conditions:
Autosomal recessive nonsyndromic hearing loss 2. Also called: DEAFNESS, AUTOSOMAL RECESSIVE 2; NEUROSENSORY NONSYNDROMIC RECESSIVE DEAFNESS 2. Identifiers: Orphanet 90636, MedGen C1838701, MONDO:0010807, OMIM 600060.
Usher syndrome type 1 (USH1). Also called: RETINITIS PIGMENTOSA AND CONGENITAL DEAFNESS. Identifiers: Orphanet 231169, Orphanet 886, MedGen C1568247, MONDO:0010168, OMIM 276900.

Submissions (5):

Labcorp Genetics (formerly Invitae), Labcorp
Classification: Pathogenic. Last evaluated: 2023-10-06. Review status: criteria provided, single submitter. Criteria: Invitae Variant Classification Sherloc (09022015). Collection method: clinical testing. Allele origin: germline.
Comment: This sequence change creates a premature translational stop signal (p.Gln2066*) in the MYO7A gene. It is expected to result in an absent or disrupted protein product. Loss-of-function variants in MYO7A are known to be pathogenic (PMID: 8900236, 25404053). This variant is not present in population databases (gnomAD no frequency). This premature translational stop signal has been observed in individual(s) with clinical features of Usher syndrome (PMID: 29490346). ClinVar contains an entry for this variant (Variation ID: 402265). For these reasons, this variant has been classified as Pathogenic.

King Laboratory, University of Washington
Classification: Pathogenic for Autosomal recessive nonsyndromic hearing loss 2. Last evaluated: 2020-08-01. Review status: criteria provided, single submitter. Criteria: Abu Rayyan A et al. (Proc Natl Acad Sci U S A 2020). Collection method: research. Allele origin: germline. Affected: yes.
Comment: MYO7A c.6196C>T, p.Q2066* is homozygous in 11 Palestinian children from 5 different families with severe to profound pre-lingual hearing loss (Abu Rayyan 2020). The variant is absent from 1300 Palestinian controls and absent from gnomAD v2.1.1.

Sharon lab, Hadassah-Hebrew University Medical Center
Classification: Pathogenic for Usher syndrome type 1. Last evaluated: 2019-06-23. Review status: no assertion criteria provided. Collection method: research. Allele origin: inherited. Affected: yes. Not counted in ClinVar's aggregate classification.

Counsyl
Classification: Likely pathogenic for Usher syndrome type 1; Autosomal recessive nonsyndromic hearing loss 2. Last evaluated: 2018-06-01. Review status: no assertion criteria provided. Collection method: clinical testing. Allele origin: unknown. Not counted in ClinVar's aggregate classification.

Hereditary Research Laboratory, Bethlehem University
Classification: Pathogenic for Autosomal recessive nonsyndromic hearing loss 2. Last evaluated: 2016-06-04. Review status: no assertion criteria provided. Collection method: research. Allele origin: germline. Affected: yes. Not counted in ClinVar's aggregate classification.

Literature cited by the submitters: PubMed 8900236 (cited by Labcorp Genetics (formerly Invitae), Labcorp); PubMed 25404053 (cited by Labcorp Genetics (formerly Invitae), Labcorp); PubMed 29490346 (cited by Labcorp Genetics (formerly Invitae), Labcorp).

NM_000260.4(MYO7A):c.6196C>T (p.Gln2066Ter)

Gene: MYO7A (myosin VIIA; plus strand). Cytogenetic location: 11q13.5.
Variant type: single nucleotide variant.
Coding change: c.6196C>T on transcript NM_000260.4 (MANE Select); coding-DNA position 6196, C replaced by T.
Protein change: p.Gln2066Ter; replaces glutamine 2066 with a stop codon.
Molecular consequence: nonsense.
Genome position (GRCh38, 1-based): chr11:77,211,296, C>T. VCF-style: chr11-77211296-C-T. GRCh37 (hg19) VCF-style: chr11-76922341-C-T.
Other names: c.6082C>T, p.Gln2028Ter (NM_001127180.2); c.6049C>T, p.Gln2017Ter (NM_001369365.1); short protein forms Q2066*, Q2017*, Q2028*.
Identifiers: ClinVar variation 402265 (VCV000402265.9), dbSNP rs1060499801, ClinGen allele CA16609577.
Genomic context (GRCh38, chr11:77,211,296, plus strand): 5'-TTCGAGGAGGACAAGTCCTACTTCCCCAGCATCCCCAAGCTGCTGCGGGAGCTGGTGCCC[C>T]AGGACCTTATCCGGCAGGTCTCACCTGATGACTGGAAGCGGGTGAGCATGGGGTGGGCAT-3'